The following is an entry in ClinVar:

ClinVar aggregate classification (germline): Uncertain significance. Review status: criteria provided, multiple submitters, no conflicts (2 of 4 stars). 2 submissions from 2 submitters: Uncertain significance (2). Last evaluated 2025-04-25.

Conditions:
Hereditary cancer-predisposing syndrome. Also called: Hereditary neoplastic syndrome; Tumor predisposition; Hereditary Cancer Syndrome; Neoplastic Syndromes, Hereditary. Identifiers: Orphanet 140162, MedGen C0027672, MeSH D009386, MONDO:0015356.
Gorlin syndrome. Also called: Nevoid Basal Cell Carcinoma Syndrome; Basal cell nevus syndrome. Identifiers: Orphanet 377, MedGen C0004779, MONDO:0007187.

gnomAD v4.1: 1 of 1,605,264 alleles (0.000062%); highest among the groups gnomAD compares: Admixed American, 0.0017%; no homozygotes.

Submissions (2):

Ambry Genetics
Classification: Uncertain significance for Hereditary cancer-predisposing syndrome. Last evaluated: 2025-04-25. Review status: criteria provided, single submitter. Criteria: Ambry Variant Classification Scheme 2023. Collection method: clinical testing. Allele origin: germline.
Comment: The p.L39Q variant (also known as c.116T>A), located in coding exon 1 of the PTCH1 gene, results from a T to A substitution at nucleotide position 116. The leucine at codon 39 is replaced by glutamine, an amino acid with dissimilar properties. This amino acid position is conserved. In addition, this alteration is predicted to be tolerated by in silico analysis. Based on the available evidence, the clinical significance of this variant remains unclear.

Labcorp Genetics (formerly Invitae), Labcorp
Classification: Uncertain significance for Gorlin syndrome. Last evaluated: 2023-03-19. Review status: criteria provided, single submitter. Criteria: Invitae Variant Classification Sherloc (09022015). Collection method: clinical testing. Allele origin: germline.
Comment: In summary, the available evidence is currently insufficient to determine the role of this variant in disease. Therefore, it has been classified as a Variant of Uncertain Significance. Advanced modeling of protein sequence and biophysical properties (such as structural, functional, and spatial information, amino acid conservation, physicochemical variation, residue mobility, and thermodynamic stability) performed at Invitae indicates that this missense variant is not expected to disrupt PTCH1 protein function. ClinVar contains an entry for this variant (Variation ID: 1422221). This variant has not been reported in the literature in individuals affected with PTCH1-related conditions. This variant is not present in population databases (gnomAD no frequency). This sequence change replaces leucine, which is neutral and non-polar, with glutamine, which is neutral and polar, at codon 39 of the PTCH1 protein (p.Leu39Gln).

NM_000264.5(PTCH1):c.116T>A (p.Leu39Gln)

Genes: PTCH1 (patched 1; minus strand), LOC130002133 (ATAC-STARR-seq lymphoblastoid silent region 20071; plus strand). Cytogenetic location: 9q22.32.
Variant type: single nucleotide variant.
Coding change: c.116T>A on transcript NM_000264.5 (MANE Select); coding-DNA position 116, T replaced by A.
Protein change: p.Leu39Gln; replaces leucine 39 with glutamine.
Molecular consequence: missense variant. On other transcripts: non-coding transcript variant (1), intron variant (3).
Genome position (GRCh38, 1-based): chr9:95,508,246, A>T on the plus strand (T>A on the coding strand, the complement: PTCH1 is on the minus strand). VCF-style: chr9-95508246-A-T. GRCh37 (hg19) VCF-style: chr9-98270528-A-T.
Other names: c.116T>A (NM_000264.3); c.116T>A, p.Leu39Gln (NM_001354918.2); c.199-1647T>A (NM_001083603.3); c.4-1647T>A (NM_001083602.3, NM_001354919.2); short protein forms L39Q.
Identifiers: ClinVar variation 1422221 (VCV001422221.9), dbSNP rs768063889, ClinGen allele CA374121405.